The following is an entry in ClinVar:

ClinVar aggregate classification (germline): Pathogenic (1 of 4 stars; one submission).

Conditions:
Stankiewicz-Isidor syndrome (STISS). Identifiers: MedGen C4479599, MONDO:0054591, OMIM 617516.

Submission:

Institute of Human Genetics, University of Leipzig Medical Center
Classification: Pathogenic for Stankiewicz-Isidor syndrome. Last evaluated: 2025-06-02. Review status: criteria provided, single submitter. Criteria: ACMG Guidelines, 2015. Collection method: clinical testing. Allele origin: de novo. Inheritance: Autosomal dominant inheritance. Affected: yes.
Comment: Criteria applied: PVS1,PM2,PS2_MOD

NM_002816.5(PSMD12):c.319C>T (p.Gln107Ter)

Gene: PSMD12 (proteasome 26S subunit, non-ATPase 12; minus strand). Cytogenetic location: 17q24.2.
Variant type: single nucleotide variant.
Coding change: c.319C>T on transcript NM_002816.5 (MANE Select); coding-DNA position 319, C replaced by T.
Protein change: p.Gln107Ter; replaces glutamine 107 with a stop codon.
Molecular consequence: nonsense.
Genome position (GRCh38, 1-based): chr17:67,350,315, G>A on the plus strand (C>T on the coding strand, the complement: PSMD12 is on the minus strand). VCF-style: chr17-67350315-G-A. GRCh37 (hg19) VCF-style: chr17-65346431-G-A.
Other names: c.142C>T, p.Gln48Ter (NM_001316341.2); c.259C>T, p.Gln87Ter (NM_174871.4); short protein forms Q48*, Q87*, Q107*.
Identifiers: ClinVar variation 4056338 (VCV004056338.2).